The following is an entry in ClinVar:

NM_000400.4(ERCC2):c.1119-173T>A

Gene: ERCC2 (ERCC excision repair 2, TFIIH core complex helicase subunit; minus strand). Cytogenetic location: 19q13.32.
Variant type: single nucleotide variant.
Coding change: c.1119-173T>A on transcript NM_000400.4 (MANE Select); 173 bases into the intron before coding-DNA position 1119, T replaced by A.
Molecular consequence: intron variant.
Genome position (GRCh38, 1-based): chr19:45,361,815, A>T on the plus strand (T>A on the coding strand, the complement: ERCC2 is on the minus strand). VCF-style: chr19-45361815-A-T. GRCh37 (hg19) VCF-style: chr19-45865073-A-T.
Other names: c.1047-173T>A (NM_001130867.2).
Identifiers: ClinVar variation 135532 (VCV000135532.1), dbSNP rs183340713, ClinGen allele CA162989.

ClinVar aggregate classification (germline): not provided (0 of 4 stars; one submission).

Allele frequency attached by ClinVar (database versions not stated): gnomAD 0.00006; TOPMed 0.00022; 1000 Genomes Project 30x 0.00109; 1000 Genomes Project 0.00120.

Submission:

ITMI
No classification provided. Condition: AllHighlyPenetrant. Last evaluated: 2013-09-19. Review status: no classification provided. Collection method: reference population. Allele origin: germline.
Comment: Please see associated publication for description of ethnicities

Literature cited by the submitters: PubMed 24728327.